The following is an entry in ClinVar:

ClinVar aggregate classification (germline): Uncertain significance (1 of 4 stars; one submission).

Conditions:
Hereditary cancer-predisposing syndrome. Also called: Neoplastic Syndromes, Hereditary; Tumor predisposition; Hereditary Cancer Syndrome; Hereditary neoplastic syndrome. Identifiers: Orphanet 140162, MedGen C0027672, MeSH D009386, MONDO:0015356.

Submission:

Ambry Genetics
Classification: Uncertain significance for Hereditary cancer-predisposing syndrome. Last evaluated: 2023-06-12. Review status: criteria provided, single submitter. Criteria: Ambry Variant Classification Scheme 2023. Collection method: clinical testing. Allele origin: germline.
Comment: The c.3677dupC variant, located in coding exon 19 of the BRIP1 gene, results from a duplication of C at nucleotide position 3677, causing a translational frameshift with a predicted alternate stop codon (p.H1227Sfs*2). This alteration occurs at the 3' terminus of theBRIP1 gene, is not expected to trigger nonsense-mediated mRNAdecay, and only impacts the last 23 amino acids of the protein. The exact functional effect of this alteration is unknown. Since supporting evidence is limited at this time, the clinical significance of this alteration remains unclear.

NM_032043.3(BRIP1):c.3677dup (p.His1227fs)

Gene: BRIP1 (BRCA1 interacting DNA helicase 1; minus strand). Cytogenetic location: 17q23.2.
Variant type: Duplication.
Coding change: c.3677dup on transcript NM_032043.3 (MANE Select); coding-DNA position 3677, one base duplicated (C; older notation c.3677dupC).
Protein change: p.His1227fs; shifts the reading frame from histidine 1227.
Molecular consequence: frameshift variant.
Genome position (GRCh38, 1-based): chr17:61,683,369, G duplicated on the plus strand (C on the coding strand, the reverse complement: BRIP1 is on the minus strand). VCF-style (leftmost placement, unchanged base first): chr17-61683368-A-AG. GRCh37 (hg19) VCF-style: chr17-59760729-A-AG.
Other names: c.3677dupC (NM_032043.2); short protein forms H1227fs.
Identifiers: ClinVar variation 1733842 (VCV001733842.3), dbSNP rs2544552214, ClinGen allele CA2580094543.